The following is an entry in ClinVar:

ClinVar aggregate classification (germline): Uncertain significance (1 of 4 stars; one submission).

Conditions:
Inborn genetic diseases. Identifiers: MedGen C0950123, MeSH D030342.

Submission:

Ambry Genetics
Classification: Uncertain significance for Inborn genetic diseases. Last evaluated: 2024-02-25. Review status: criteria provided, single submitter. Criteria: Ambry Variant Classification Scheme 2023. Collection method: clinical testing. Allele origin: germline.
Comment: The p.S568Y variant (also known as c.1703C>A), located in coding exon 15 of the LRRK2 gene, results from a C to A substitution at nucleotide position 1703. The serine at codon 568 is replaced by tyrosine, an amino acid with dissimilar properties. This amino acid position is conserved. In addition, the in silico prediction for this alteration is inconclusive. Since supporting evidence is limited at this time, the clinical significance of this alteration remains unclear.

NM_198578.4(LRRK2):c.1703C>A (p.Ser568Tyr)

Gene: LRRK2 (leucine rich repeat kinase 2; plus strand). Cytogenetic location: 12q12.
Variant type: single nucleotide variant.
Coding change: c.1703C>A on transcript NM_198578.4 (MANE Select); coding-DNA position 1703, C replaced by A.
Protein change: p.Ser568Tyr; replaces serine 568 with tyrosine.
Molecular consequence: missense variant.
Genome position (GRCh38, 1-based): chr12:40,274,629, C>A. VCF-style: chr12-40274629-C-A. GRCh37 (hg19) VCF-style: chr12-40668431-C-A.
Other names: short protein forms S568Y.
Identifiers: ClinVar variation 1778392 (VCV001778392.2), dbSNP rs796429024, ClinGen allele CA235328037.